The following is an entry in ClinVar:

ClinVar aggregate classification (germline): Likely benign. Review status: criteria provided, single submitter (1 of 4 stars). 2 submissions from 1 submitter: Likely benign (2). Last evaluated 2018-01-12.

Conditions:
Long QT syndrome 5 (LQT5). Identifiers: Orphanet 101016, Orphanet 768, MedGen C1867904, MONDO:0013372, OMIM 613695.
Jervell and Lange-Nielsen syndrome 2 (JLNS2). Identifiers: Orphanet 768, Orphanet 90647, MedGen C2676723, MONDO:0012871, OMIM 612347.

Allele frequency attached by ClinVar (database versions not stated): gnomAD 0.00003; 1000 Genomes Project 0.00060.

Submissions (2):

Illumina Laboratory Services, Illumina
Classification: Likely benign for Jervell and Lange-Nielsen syndrome 2. Last evaluated: 2018-01-12. Review status: criteria provided, single submitter. Criteria: ICSL Variant Classification Criteria 13 December 2019. Collection method: clinical testing. Allele origin: germline.
Comment: This variant was observed in the ICSL laboratory as part of a predisposition screen in an ostensibly healthy population. It had not been previously curated by ICSL or reported in the Human Gene Mutation Database (HGMD: prior to June 1st, 2018), and was therefore a candidate for classification through an automated scoring system. Utilizing variant allele frequency, disease prevalence and penetrance estimates, and inheritance mode, an automated score was calculated to assess if this variant is too frequent to cause the disease. Based on the score and internal cut-off values, a variant classified as likely benign is not then subjected to further curation. The score for this variant resulted in a classification of likely benign for this disease.

Illumina Laboratory Services, Illumina
Classification: Likely benign for Long QT syndrome 5. Last evaluated: 2018-01-12. Review status: criteria provided, single submitter. Criteria: ICSL Variant Classification Criteria 13 December 2019. Collection method: clinical testing. Allele origin: germline.
Comment: the same text as in the submission from Illumina Laboratory Services, Illumina above.

NM_000219.6(KCNE1):c.*2150G>A

Gene: KCNE1 (potassium voltage-gated channel subfamily E regulatory subunit 1; minus strand). Cytogenetic location: 21q22.12.
Variant type: single nucleotide variant.
Coding change: c.*2150G>A on transcript NM_000219.6 (MANE Select); 2150 bases downstream of the stop codon, G replaced by A.
Molecular consequence: 3 prime UTR variant.
Genome position (GRCh38, 1-based): chr21:34,447,095, C>T on the plus strand (G>A on the coding strand, the complement: KCNE1 is on the minus strand). VCF-style: chr21-34447095-C-T. GRCh37 (hg19) VCF-style: chr21-35819393-C-T.
Other names: c.*2150G>A (NM_001127668.4, NM_001127669.4, NM_001127670.4 and 4 more transcripts).
Identifiers: ClinVar variation 339728 (VCV000339728.6), dbSNP rs530554373, ClinGen allele CA10652883.